The following is an entry in ClinVar:

ClinVar aggregate classification (germline): Likely benign (0 of 4 stars; one submission).

Conditions:
SLC51A-related disorder. Also called: SLC51A-related condition.

Allele frequency attached by ClinVar (database versions not stated): gnomAD 0.00002; TOPMed 0.00003.
gnomAD v4.1: 42 of 1,567,784 alleles (0.0027%); highest among the groups gnomAD compares: East Asian, 0.0047%; no homozygotes.

Submission:

PreventionGenetics, part of Exact Sciences
Classification: Likely benign for SLC51A-related condition. Last evaluated: 2023-01-11. Review status: no assertion criteria provided. Collection method: clinical testing. Allele origin: germline.
Comment: This variant is classified as likely benign based on ACMG/AMP sequence variant interpretation guidelines (Richards et al. 2015 PMID: 25741868, with internal and published modifications).

NM_152672.6(SLC51A):c.-6G>A

Gene: SLC51A (solute carrier family 51 member A; plus strand). Cytogenetic location: 3q29.
Variant type: single nucleotide variant.
Coding change: c.-6G>A on transcript NM_152672.6 (MANE Select); 6 bases upstream of the start codon, G replaced by A.
Molecular consequence: 5 prime UTR variant.
Genome position (GRCh38, 1-based): chr3:196,216,707, G>A. VCF-style: chr3-196216707-G-A. GRCh37 (hg19) VCF-style: chr3-195943578-G-A.
Identifiers: ClinVar variation 3052279 (VCV003052279.2), dbSNP rs747550066, ClinGen allele CA90823638.